The following is an entry in ClinVar:

NM_022726.4(ELOVL4):c.932C>G (p.Ala311Gly)

Gene: ELOVL4 (ELOVL fatty acid elongase 4; minus strand). Cytogenetic location: 6q14.1.
Variant type: single nucleotide variant.
Coding change: c.932C>G on transcript NM_022726.4 (MANE Select); coding-DNA position 932, C replaced by G.
Protein change: p.Ala311Gly; replaces alanine 311 with glycine.
Molecular consequence: missense variant.
Genome position (GRCh38, 1-based): chr6:79,916,621, G>C on the plus strand (C>G on the coding strand, the complement: ELOVL4 is on the minus strand). VCF-style: chr6-79916621-G-C. GRCh37 (hg19) VCF-style: chr6-80626338-G-C.
Other names: short protein forms A311G.
Identifiers: ClinVar variation 2810542 (VCV002810542.3), dbSNP rs755079885, ClinGen allele CA3901441.

ClinVar aggregate classification (germline): Uncertain significance (1 of 4 stars; one submission).

Allele frequency attached by ClinVar (database versions not stated): gnomAD exomes below 0.00001; ExAC 0.00001.

Submission:

Labcorp Genetics (formerly Invitae), Labcorp
Classification: Uncertain significance. Last evaluated: 2023-04-07. Review status: criteria provided, single submitter. Criteria: Invitae Variant Classification Sherloc (09022015). Collection method: clinical testing. Allele origin: germline.
Comment: In summary, the available evidence is currently insufficient to determine the role of this variant in disease. Therefore, it has been classified as a Variant of Uncertain Significance. This sequence change replaces alanine, which is neutral and non-polar, with glycine, which is neutral and non-polar, at codon 311 of the ELOVL4 protein (p.Ala311Gly). This variant is present in population databases (rs755079885, gnomAD 0.0009%). This variant has not been reported in the literature in individuals affected with ELOVL4-related conditions. Experimental studies and prediction algorithms are not available or were not evaluated, and the functional significance of this variant is currently unknown.